The following is an entry in ClinVar:

ClinVar aggregate classification (germline): Likely benign (1 of 4 stars; one submission).

Conditions:
MCM9-related disorder. Also called: MCM9-related condition.

gnomAD v4.1: 253 of 1,550,668 alleles (0.016%); highest among the groups gnomAD compares: African/African-American, 0.29%; no homozygotes.

Submission:

PreventionGenetics, part of Exact Sciences
Classification: Likely benign for MCM9-related condition. Last evaluated: 2024-10-11. Review status: criteria provided, single submitter. Criteria: ACMG Guidelines, 2015. Collection method: clinical testing. Allele origin: germline.
Comment: This variant is classified as likely benign based on ACMG/AMP sequence variant interpretation guidelines (Richards et al. 2015 PMID: 25741868, with internal and published modifications).

NM_017696.3(MCM9):c.3140G>C (p.Ser1047Thr)

Gene: MCM9 (minichromosome maintenance 9 homologous recombination repair factor; minus strand). Cytogenetic location: 6q22.31.
Variant type: single nucleotide variant.
Coding change: c.3140G>C on transcript NM_017696.3 (MANE Select); coding-DNA position 3140, G replaced by C.
Protein change: p.Ser1047Thr; replaces serine 1047 with threonine.
Molecular consequence: missense variant. On other transcripts: 3 prime UTR variant (4), non-coding transcript variant (1).
Genome position (GRCh38, 1-based): chr6:118,815,116, C>G on the plus strand (G>C on the coding strand, the complement: MCM9 is on the minus strand). VCF-style: chr6-118815116-C-G. GRCh37 (hg19) VCF-style: chr6-119136279-C-G.
Other names: c.3140G>C, p.Ser1047Thr (NM_001378356.1, NM_001378357.1); c.*1047G>C (NM_001378359.1, NM_001378360.1, NM_001378366.1 and 1 more transcripts); c.2936G>C, p.Ser979Thr (NM_001378364.1); short protein forms S1047T, S979T.
Identifiers: ClinVar variation 4987617 (VCV004987617.1).